The following is an entry in ClinVar:

NM_004656.4(BAP1):c.1984-3_1999del

Gene: BAP1 (BRCA1 associated deubiquitinase 1; minus strand). Cytogenetic location: 3p21.1.
Variant type: Deletion.
Coding change: c.1984-3_1999del on transcript NM_004656.4 (MANE Select); 3 bases into the intron before coding-DNA position 1984 through coding-DNA position 1999, 19 bases deleted (CAGATTGATGACCAGAGAA).
Molecular consequence: splice acceptor variant.
Genome position (GRCh38, 1-based): chr3:52,402,659-52,402,677, TTCTCTGGTCATCAATCTG deleted on the plus strand (CAGATTGATGACCAGAGAA on the coding strand, the reverse complement: BAP1 is on the minus strand); deleting any 19 consecutive bases within chr3:52,402,659-52,402,678 gives the same sequence; the c. name uses the placement nearest the transcript's 3' end. VCF-style (leftmost placement, unchanged base first): chr3-52402658-CTTCTCTGGTCATCAATCTG-C. GRCh37 (hg19) VCF-style: chr3-52436674-CTTCTCTGGTCATCAATCTG-C.
Identifiers: ClinVar variation 643705 (VCV000643705.9), dbSNP rs1578218746, ClinGen allele CA915942468.
Genomic context (GRCh38, chr3:52,402,658, plus strand): 5'-TCACCTTCCTGAGCCAGCATGGAGATAAAGGTGCAGATGAACTCATCGTAGTTGTGGGTC[CTTCTCTGGTCATCAATCTG>C]TAGGAGAGAAGAAGACTGAGAGCACTGGAGCCAATCTTGCCAGAGCAGCCACCAGTGGAC-3'

ClinVar aggregate classification (germline): Likely pathogenic. Review status: criteria provided, multiple submitters, no conflicts (2 of 4 stars). 2 submissions from 2 submitters: Likely pathogenic (2). Last evaluated 2022-04-06.

Conditions:
BAP1-related tumor predisposition syndrome (TPDS1). Also called: Tumor susceptibility linked to germline BAP1 mutations; TUMOR PREDISPOSITION SYNDROME 1; COMMON Syndrome; BAP1 tumor predisposition syndrome. Identifiers: Orphanet 289539, MedGen C3280492, MONDO:0013692, OMIM 614327.

Submissions (2):

Baylor Genetics
Classification: Likely pathogenic for BAP1-related tumor predisposition syndrome. Last evaluated: 2022-04-06. Review status: criteria provided, single submitter. Criteria: ACMG Guidelines, 2015. Collection method: clinical testing. Allele origin: unknown.

Labcorp Genetics (formerly Invitae), Labcorp
Classification: Likely pathogenic for BAP1-related tumor predisposition syndrome. Last evaluated: 2019-03-13. Review status: criteria provided, single submitter. Criteria: Invitae Variant Classification Sherloc (09022015). Collection method: clinical testing. Allele origin: germline.
Comment: This variant is a deletion of the genomic region encompassing part of exon 16 (c.1984-3_1999) of the BAP1 gene. It is expected to disrupt RNA splicing and likely results in an absent or disrupted protein product. In summary, the currently available evidence indicates that the variant is pathogenic, but additional data are needed to prove that conclusively. Therefore, this variant has been classified as Likely Pathogenic. Loss-of-function variants in BAP1 are known to be pathogenic (PMID: 21874000, 23684012). This variant has not been reported in the literature in individuals with BAP1-related disease. This variant is not present in population databases (ExAC no frequency).

Literature cited by the submitters: PubMed 21874000 (cited by Labcorp Genetics (formerly Invitae), Labcorp); PubMed 23684012 (cited by Labcorp Genetics (formerly Invitae), Labcorp).